The following is an entry in ClinVar:

ClinVar aggregate classification (germline): Likely pathogenic. Review status: criteria provided, multiple submitters, no conflicts (2 of 4 stars). 2 submissions from 2 submitters: Likely pathogenic (2). Last evaluated 2024-07-05.

Conditions:
Cardiovascular phenotype. Identifiers: MedGen CN230736.
Dilated cardiomyopathy 1G (CMD1G). Identifiers: Orphanet 154, MedGen C1858763, MONDO:0011400, OMIM 604145.
Autosomal recessive limb-girdle muscular dystrophy type 2J (LGMDR10). Also called: Limb-girdle muscular dystrophy, type 2J; MUSCULAR DYSTROPHY, LIMB-GIRDLE, AUTOSOMAL RECESSIVE 10. Identifiers: Orphanet 140922, MedGen C1837342, MONDO:0012127, OMIM 608807.

Submissions (2):

Ambry Genetics
Classification: Likely pathogenic for Cardiovascular phenotype. Last evaluated: 2024-07-05. Review status: criteria provided, single submitter. Criteria: Ambry Variant Classification Scheme 2023. Collection method: clinical testing. Allele origin: germline.
Comment: The c.45435dupA variant, located in coding exon 153 of the TTN gene, results from a duplication of A at nucleotide position 45435, causing a translational frameshift with a predicted alternate stop codon (p.S15146Ifs*14). This exon is located in the A-band region of the N2-B isoform of the titin protein and is constitutively expressed in TTN transcripts (percent spliced in or PSI 100%). This variant is considered to be rare based on population cohorts in the Genome Aggregation Database (gnomAD). This alteration is expected to result in loss of function by premature protein truncation or nonsense-mediated mRNA decay. While truncating variants in TTN are present in 1-3% of the general population, truncating variants in the A-band are the most common cause of dilated cardiomyopathy (DCM) (Herman DS et al. N. Engl. J. Med., 2012 Feb;366:619-28; Roberts AM et al. Sci Transl Med, 2015 Jan;7:270ra6). TTN truncating variants encoded in constitutive exons (PSI >90%) have been found to be significantly associated with DCM regardless of their position in titin (Schafer S et al. Nat. Genet., 2017 01;49:46-53). Based on the majority of available evidence to date, this variant is likely to be pathogenic.

Labcorp Genetics (formerly Invitae), Labcorp
Classification: Likely pathogenic for Dilated cardiomyopathy 1G; Autosomal recessive limb-girdle muscular dystrophy type 2J. Last evaluated: 2023-12-01. Review status: criteria provided, single submitter. Criteria: Invitae Variant Classification Sherloc (09022015). Collection method: clinical testing. Allele origin: germline.
Comment: This sequence change creates a premature translational stop signal (p.Ser24211Ilefs*14) in the TTN gene. While this is not anticipated to result in nonsense mediated decay, it is expected to create a truncated TTN protein. This variant is not present in population databases (gnomAD no frequency). This variant has not been reported in the literature in individuals affected with TTN-related conditions. This variant is located in the A band of TTN (PMID: 25589632). Truncating variants in this region are significantly overrepresented in patients affected with dilated cardiomyopathy (PMID: 25589632). Truncating variants in this region have also been reported in individuals affected with autosomal recessive centronuclear myopathy (PMID: 23975875). In summary, the currently available evidence indicates that the variant is pathogenic, but additional data are needed to prove that conclusively. Therefore, this variant has been classified as Likely Pathogenic.

Literature cited by the submitters: PubMed 25589632 (cited by Labcorp Genetics (formerly Invitae), Labcorp); PubMed 23975875 (cited by Labcorp Genetics (formerly Invitae), Labcorp).

NM_001267550.2(TTN):c.72630dup (p.Ser24211fs)

Genes: TTN (titin; minus strand), TTN-AS1 (TTN antisense RNA 1; plus strand). Cytogenetic location: 2q31.2.
Variant type: Duplication.
Coding change: c.72630dup on transcript NM_001267550.2 (MANE Select); coding-DNA position 72630, one base duplicated (A; older notation c.72630dupA).
Protein change: p.Ser24211fs; shifts the reading frame from serine 24211.
Molecular consequence: frameshift variant.
Genome position (GRCh38, 1-based): chr2:178,573,502, T duplicated on the plus strand (A on the coding strand, the reverse complement: TTN is on the minus strand); the first of 2 consecutive T bases (chr2:178,573,502-178,573,503); duplicating either gives the same sequence. VCF-style (leftmost placement, unchanged base first): chr2-178573501-A-AT. GRCh37 (hg19) VCF-style: chr2-179438228-A-AT.
Other names: c.67707dup, p.Ser22570fs (NM_001256850.1); c.45435dup, p.Ser15146fs (NM_003319.4); c.64926dup, p.Ser21643fs (NM_133378.4); c.45810dup, p.Ser15271fs (NM_133432.3); c.46011dup, p.Ser15338fs (NM_133437.4); c.45435dupA (NM_003319.4); short protein forms S15338fs, S24211fs, S21643fs, S15146fs, S15271fs, S22570fs.
Identifiers: ClinVar variation 2925723 (VCV002925723.4), dbSNP rs2468588490, ClinGen allele CA2740096015.